The following is an entry in ClinVar:

ClinVar aggregate classification (germline): Likely benign (1 of 4 stars; one submission).

gnomAD v4.1: 140 of 1,585,048 alleles (0.0088%); highest among the groups gnomAD compares: Non-Finnish European, 0.011%; no homozygotes.

Submission:

CeGaT Center for Human Genetics Tuebingen
Classification: Likely benign. Last evaluated: 2026-02-01. Review status: criteria provided, single submitter. Criteria: CeGaT Center For Human Genetics Tuebingen Variant Classification Criteria Version 2. Collection method: clinical testing. Allele origin: germline. Affected: yes. Observed: 1 variant allele.
Comment: DPP9: BP4, BP7

NM_139159.5(DPP9):c.2343G>A (p.Ala781=)

Genes: DPP9 (dipeptidyl peptidase 9; minus strand), DPP9-AS1 (DPP9 antisense RNA 1; plus strand). Cytogenetic location: 19p13.3.
Variant type: single nucleotide variant.
Coding change: c.2343G>A on transcript NM_139159.5 (MANE Select); coding-DNA position 2343, G replaced by A.
Protein change: p.Ala781=; no amino-acid change (alanine 781 retained).
Molecular consequence: synonymous variant. On other transcripts: non-coding transcript variant (10).
Genome position (GRCh38, 1-based): chr19:4,682,827, C>T on the plus strand (G>A on the coding strand, the complement: DPP9 is on the minus strand). VCF-style: chr19-4682827-C-T. GRCh37 (hg19) VCF-style: chr19-4682839-C-T.
Other names: c.2343G>A, p.Ala781= (NM_001384611.1, NM_001384612.1, NM_001384613.1 and 5 more transcripts); c.2337G>A, p.Ala779= (NM_001384617.1); c.2316G>A, p.Ala772= (NM_001384618.1); c.2310G>A, p.Ala770= (NM_001384619.1); c.2304G>A, p.Ala768= (NM_001384620.1, NM_001384621.1); c.2256G>A, p.Ala752= (NM_001384623.1, NM_001384624.1, NM_001384625.1 and 2 more transcripts); c.2196G>A, p.Ala732= (NM_001384630.1); c.2103G>A, p.Ala701= (NM_001384631.1).
Identifiers: ClinVar variation 4821643 (VCV004821643.4).